The following is an entry in ClinVar:

NM_000489.6(ATRX):c.1781C>G (p.Ser594Cys)

Gene: ATRX (ATRX chromatin remodeler; minus strand). Cytogenetic location: Xq21.1.
Variant type: single nucleotide variant.
Coding change: c.1781C>G on transcript NM_000489.6 (MANE Select); coding-DNA position 1781, C replaced by G.
Protein change: p.Ser594Cys; replaces serine 594 with cysteine.
Molecular consequence: missense variant.
Genome position (GRCh38, 1-based): chrX:77,683,475, G>C on the plus strand (C>G on the coding strand, the complement: ATRX is on the minus strand). VCF-style: chrX-77683475-G-C. GRCh37 (hg19) VCF-style: chrX-76938967-G-C.
Other names: c.1667C>G, p.Ser556Cys (NM_138270.5); short protein forms S594C, S556C.
Identifiers: ClinVar variation 465041 (VCV000465041.9), dbSNP rs782774889, ClinGen allele CA413716501.

ClinVar aggregate classification (germline): Uncertain significance (1 of 4 stars; one submission).

Conditions:
Alpha thalassemia-X-linked intellectual disability syndrome (ATRX). Also called: ALPHA-THALASSEMIA/MENTAL RETARDATION SYNDROME, X-LINKED; ATR, NONDELETION TYPE; X-linked alpha-thalassemia-mental retardation syndrome; ALPHA-THALASSEMIA/IMPAIRED INTELLECTUAL DEVELOPMENT SYNDROME, X-LINKED; ATR-X syndrome; Alpha thalassemia mental retardation syndrome, nondeletion type, X-linked. Identifiers: Orphanet 847, MedGen C1845055, MONDO:0010519, OMIM 301040.

gnomAD v4.1: 1 of 1,210,058 alleles (0.000083%); no homozygotes.

Submission:

Labcorp Genetics (formerly Invitae), Labcorp
Classification: Uncertain significance for Alpha thalassemia-X-linked intellectual disability syndrome. Last evaluated: 2022-09-01. Review status: criteria provided, single submitter. Criteria: Invitae Variant Classification Sherloc (09022015). Collection method: clinical testing. Allele origin: germline.
Comment: This variant is present in population databases (no rsID available, gnomAD 0.004%). This variant has not been reported in the literature in individuals affected with ATRX-related conditions. ClinVar contains an entry for this variant (Variation ID: 465041). Advanced modeling of protein sequence and biophysical properties (such as structural, functional, and spatial information, amino acid conservation, physicochemical variation, residue mobility, and thermodynamic stability) performed at Invitae indicates that this missense variant is expected to disrupt ATRX protein function. In summary, the available evidence is currently insufficient to determine the role of this variant in disease. Therefore, it has been classified as a Variant of Uncertain Significance. This sequence change replaces serine, which is neutral and polar, with cysteine, which is neutral and slightly polar, at codon 594 of the ATRX protein (p.Ser594Cys).